The following is an entry in ClinVar:

NM_000059.4(BRCA2):c.10031T>C (p.Leu3344Pro)

Gene: BRCA2 (BRCA2 DNA repair associated; plus strand). Cytogenetic location: 13q13.1.
Variant type: single nucleotide variant.
Coding change: c.10031T>C on transcript NM_000059.4 (MANE Select); coding-DNA position 10031, T replaced by C.
Protein change: p.Leu3344Pro; replaces leucine 3344 with proline.
Molecular consequence: missense variant.
Genome position (GRCh38, 1-based): chr13:32,398,544, T>C. VCF-style: chr13-32398544-T-C. GRCh37 (hg19) VCF-style: chr13-32972681-T-C.
Other names: short protein forms L3344P.
Identifiers: ClinVar variation 233876 (VCV000233876.17), dbSNP rs876660701, ClinGen allele CA10579854.

ClinVar aggregate classification (germline): Uncertain significance. Review status: criteria provided, multiple submitters, no conflicts (2 of 4 stars). 2 submissions from 2 submitters: Uncertain significance (2). Last evaluated 2022-10-03.

Conditions:
Hereditary cancer-predisposing syndrome. Also called: Neoplastic Syndromes, Hereditary; Tumor predisposition; Hereditary Cancer Syndrome; Hereditary neoplastic syndrome. Identifiers: Orphanet 140162, MedGen C0027672, MeSH D009386, MONDO:0015356.
Hereditary breast ovarian cancer syndrome. Also called: Hereditary breast and ovarian cancer syndrome; BRCA1- and BRCA2-Associated Hereditary Breast and Ovarian Cancer; Breast and ovarian cancer; Hereditary breast and/or ovarian cancer syndrome; Hereditary breast and ovarian cancer; Hereditary breast and ovarian cancer syndrome (HBOC). Identifiers: Orphanet 145, MedGen C0677776, MeSH D061325, MONDO:0003582. Disease mechanism: loss of function.

Submissions (2):

Labcorp Genetics (formerly Invitae), Labcorp
Classification: Uncertain significance for Hereditary breast ovarian cancer syndrome. Last evaluated: 2022-10-03. Review status: criteria provided, single submitter. Criteria: Invitae Variant Classification Sherloc (09022015). Collection method: clinical testing. Allele origin: germline.
Comment: ClinVar contains an entry for this variant (Variation ID: 233876). Advanced modeling of protein sequence and biophysical properties (such as structural, functional, and spatial information, amino acid conservation, physicochemical variation, residue mobility, and thermodynamic stability) performed at Invitae indicates that this missense variant is not expected to disrupt BRCA2 protein function. In summary, the available evidence is currently insufficient to determine the role of this variant in disease. Therefore, it has been classified as a Variant of Uncertain Significance. This sequence change replaces leucine, which is neutral and non-polar, with proline, which is neutral and non-polar, at codon 3344 of the BRCA2 protein (p.Leu3344Pro). This variant is not present in population databases (gnomAD no frequency). This variant has not been reported in the literature in individuals affected with BRCA2-related conditions.

Ambry Genetics
Classification: Uncertain significance for Hereditary cancer-predisposing syndrome. Last evaluated: 2015-09-15. Review status: criteria provided, single submitter. Criteria: Ambry Variant Classification Scheme 2023. Collection method: clinical testing. Allele origin: germline.
Comment: The p.L3344P variant (also known as c.10031T>C), located in coding exon 26 of the BRCA2 gene, results from a T to C substitution at nucleotide position 10031. The leucine at codon 3344 is replaced by proline, an amino acid with similar properties. This variant was not reported in population based cohorts in the following databases: Database of Single Nucleotide Polymorphisms (dbSNP), NHLBI Exome Sequencing Project (ESP), and 1000 Genomes Project. In the ESP, this variant was not observed in 6503 samples (13006 alleles) with coverage at this position. To date, this alteration has been detected with an allele frequency of approximately 0.001% (greater than 150000 alleles tested) in our clinical cohort. This amino acid position is highly conserved in available vertebrate species. In addition, the in silico prediction for this alteration is inconclusive. Since supporting evidence is limited at this time, the clinical significance of p.L3344P remains unclear.